The following is an entry in ClinVar:

ClinVar aggregate classification (germline): Benign/Likely benign. Review status: criteria provided, multiple submitters, no conflicts (2 of 4 stars). 4 submissions from 4 submitters: Benign (1); Likely benign (3). Last evaluated 2025-03-20.

Conditions:
Familial thoracic aortic aneurysm and aortic dissection (TAAD). Also called: Thoracic aortic aneurysms and dissections. Identifiers: Orphanet 91387, MedGen C4707243, MONDO:0019625.
Hereditary cancer-predisposing syndrome. Also called: Tumor predisposition; Neoplastic Syndromes, Hereditary; Hereditary neoplastic syndrome; Hereditary Cancer Syndrome. Identifiers: Orphanet 140162, MedGen C0027672, MeSH D009386, MONDO:0015356.
Juvenile polyposis syndrome (JPS). Identifiers: Orphanet 2929, MedGen C0345893, MONDO:0017380, OMIM 174900.
Juvenile polyposis/hereditary hemorrhagic telangiectasia syndrome (JPHT). Also called: Juvenile Polyposis Syndrome / Hereditary Hemorrhagic Telangiectasia (JPS/HHT); JP/HHT SYNDROME; JUVENILE POLYPOSIS WITH HEREDITARY HEMORRHAGIC TELANGIECTASIA; POLYPOSIS, GENERALIZED JUVENILE, WITH PULMONARY ARTERIOVENOUS MALFORMATION; TELANGIECTASIA, HEREDITARY HEMORRHAGIC, WITH JUVENILE POLYPOSIS COLI. Identifiers: Orphanet 2929, MedGen C1832942, MONDO:0008278, OMIM 175050.

Submissions (4):

Myriad Genetics, Inc.
Classification: Benign for Juvenile polyposis/hereditary hemorrhagic telangiectasia syndrome. Last evaluated: 2025-03-20. Review status: criteria provided, single submitter. Criteria: Myriad Autosomal Dominant, Autosomal Recessive and X-Linked Classification Criteria (2023). Collection method: clinical testing. Allele origin: unknown.
Comment: This variant is considered benign. This variant is a silent/synonymous amino acid change and it is not expected to impact splicing.

Labcorp Genetics (formerly Invitae), Labcorp
Classification: Likely benign for Juvenile polyposis syndrome. Last evaluated: 2025-01-17. Review status: criteria provided, single submitter. Criteria: Invitae Variant Classification Sherloc (09022015). Collection method: clinical testing. Allele origin: germline.

Women's Health and Genetics/Laboratory Corporation of America, LabCorp
Classification: Likely benign. Last evaluated: 2019-08-27. Review status: criteria provided, single submitter. Criteria: LabCorp Variant Classification Summary - May 2015. Collection method: clinical testing. Allele origin: germline.

Ambry Genetics
Classification: Likely benign for Hereditary cancer-predisposing syndrome; Familial thoracic aortic aneurysm and aortic dissection. Last evaluated: 2015-09-12. Review status: criteria provided, single submitter. Criteria: Ambry Variant Classification Scheme 2023. Collection method: clinical testing. Allele origin: germline.

NM_005359.6(SMAD4):c.798C>T (p.Thr266=)

Gene: SMAD4 (SMAD family member 4; plus strand). Cytogenetic location: 18q21.2.
Variant type: single nucleotide variant.
Coding change: c.798C>T on transcript NM_005359.6 (MANE Select); coding-DNA position 798, C replaced by T.
Protein change: p.Thr266=; no amino-acid change (threonine 266 retained).
Molecular consequence: synonymous variant.
Genome position (GRCh38, 1-based): chr18:51,058,350, C>T. VCF-style: chr18-51058350-C-T. GRCh37 (hg19) VCF-style: chr18-48584720-C-T.
Identifiers: ClinVar variation 233821 (VCV000233821.16), dbSNP rs876660662, ClinGen allele CA10580981.